The following is an entry in ClinVar:

NM_001029896.2(WDR45):c.352G>A (p.Val118Met)

Gene: WDR45 (WD repeat domain 45; minus strand). Cytogenetic location: Xp11.23.
Variant type: single nucleotide variant.
Coding change: c.352G>A on transcript NM_001029896.2 (MANE Select); coding-DNA position 352, G replaced by A.
Protein change: p.Val118Met; replaces valine 118 with methionine.
Molecular consequence: missense variant.
Genome position (GRCh38, 1-based): chrX:49,076,514, C>T on the plus strand (G>A on the coding strand, the complement: WDR45 is on the minus strand). VCF-style: chrX-49076514-C-T. GRCh37 (hg19) VCF-style: chrX-48934173-C-T.
Other names: c.355G>A, p.Val119Met (NM_007075.4); short protein forms V119M, V118M.
Identifiers: ClinVar variation 431721 (VCV000431721.7), dbSNP rs782302447, ClinGen allele CA10408545.

ClinVar aggregate classification (germline): Uncertain significance. Review status: criteria provided, multiple submitters, no conflicts (2 of 4 stars). 2 submissions from 2 submitters: Uncertain significance (2). Last evaluated 2022-09-25.

Conditions:
Neurodegeneration with brain iron accumulation 5 (NBIA5). Also called: STATIC ENCEPHALOPATHY OF CHILDHOOD WITH NEURODEGENERATION IN ADULTHOOD; Beta-propeller protein-associated neurodegeneration. Identifiers: Orphanet 329284, MedGen C3550973, MONDO:0010476, OMIM 300894.

Allele frequency attached by ClinVar (database versions not stated): TOPMed below 0.00001; gnomAD exomes 0.00001 and 0.00003; ExAC 0.00003.
gnomAD v4.1: 15 of 1,211,942 alleles (0.0012%); highest among the groups gnomAD compares: South Asian, 0.0018%; no homozygotes.

Submissions (2):

Labcorp Genetics (formerly Invitae), Labcorp
Classification: Uncertain significance for Neurodegeneration with brain iron accumulation 5. Last evaluated: 2022-09-25. Review status: criteria provided, single submitter. Criteria: Invitae Variant Classification Sherloc (09022015). Collection method: clinical testing. Allele origin: germline.
Comment: This sequence change replaces valine, which is neutral and non-polar, with methionine, which is neutral and non-polar, at codon 119 of the WDR45 protein (p.Val119Met). This variant is present in population databases (rs782302447, gnomAD 0.01%), including at least one homozygous and/or hemizygous individual. This missense change has been observed in individual(s) with atypical cerebral palsy (PMID: 30542205). ClinVar contains an entry for this variant (Variation ID: 431721). Advanced modeling of protein sequence and biophysical properties (such as structural, functional, and spatial information, amino acid conservation, physicochemical variation, residue mobility, and thermodynamic stability) performed at Invitae indicates that this missense variant is expected to disrupt WDR45 protein function. In summary, the available evidence is currently insufficient to determine the role of this variant in disease. Therefore, it has been classified as a Variant of Uncertain Significance.

TIDEX, University of British Columbia
Classification: Uncertain significance for Neurodegeneration with brain iron accumulation 5. Review status: criteria provided, single submitter. Criteria: ACMG Guidelines, 2015. Collection method: research. Allele origin: maternal. Inheritance: X-linked inheritance. Affected: yes.

Literature cited by the submitters: PubMed 30542205 (cited by Labcorp Genetics (formerly Invitae), Labcorp).